The following is an entry in ClinVar:

ClinVar aggregate classification (germline): Uncertain significance (1 of 4 stars; one submission).

Conditions:
Epilepsy, familial focal, with variable foci 3 (FFEVF3). Identifiers: MedGen C4310708, MONDO:0014925, OMIM 617118.

Allele frequency attached by ClinVar (database versions not stated): gnomAD exomes 0.00001 and 0.00002; TOPMed 0.00001; ExAC 0.00002; ESP Exome Variant Server 0.00008.
gnomAD v4.1: 31 of 1,609,666 alleles (0.0019%); highest among the groups gnomAD compares: Middle Eastern, 0.017%; no homozygotes.

Submission:

Labcorp Genetics (formerly Invitae), Labcorp
Classification: Uncertain significance for Epilepsy, familial focal, with variable foci 3. Last evaluated: 2025-01-19. Review status: criteria provided, single submitter. Criteria: Invitae Variant Classification Sherloc (09022015). Collection method: clinical testing. Allele origin: germline.
Comment: This sequence change replaces arginine, which is basic and polar, with histidine, which is basic and polar, at codon 511 of the NPRL3 protein (p.Arg511His). The frequency data for this variant in the population databases is considered unreliable, as metrics indicate poor data quality at this position in the gnomAD database. This variant has not been reported in the literature in individuals affected with NPRL3-related conditions. ClinVar contains an entry for this variant (Variation ID: 1422500). Invitae Evidence Modeling of protein sequence and biophysical properties (such as structural, functional, and spatial information, amino acid conservation, physicochemical variation, residue mobility, and thermodynamic stability) indicates that this missense variant is not expected to disrupt NPRL3 protein function with a negative predictive value of 80%. In summary, the available evidence is currently insufficient to determine the role of this variant in disease. Therefore, it has been classified as a Variant of Uncertain Significance.

NM_001077350.3(NPRL3):c.1532G>A (p.Arg511His)

Genes: HBA-LCR (alpha-globin locus control region; plus strand), NPRL3 (NPR3 like, GATOR1 complex subunit; minus strand). Cytogenetic location: 16p13.3.
Variant type: single nucleotide variant.
Coding change: c.1532G>A on transcript NM_001077350.3 (MANE Select); coding-DNA position 1532, G replaced by A.
Protein change: p.Arg511His; replaces arginine 511 with histidine.
Molecular consequence: missense variant.
Genome position (GRCh38, 1-based): chr16:88,710, C>T on the plus strand (G>A on the coding strand, the complement: NPRL3 is on the minus strand). VCF-style: chr16-88710-C-T. GRCh37 (hg19) VCF-style: chr16-138709-C-T.
Other names: c.995G>A, p.Arg332His (NM_001039476.3); c.1298G>A, p.Arg433His (NM_001243247.2); c.1457G>A, p.Arg486His (NM_001243248.2, NM_001243249.2); short protein forms R332H, R486H, R511H, R433H.
Identifiers: ClinVar variation 1422500 (VCV001422500.6), dbSNP rs375305549, ClinGen allele CA7769300.
Genomic context (GRCh38, chr16:88,710, plus strand): 5'-CCTGACCCTGCAACTGGCCCCAGTCCCAACGGGTCAACCTACACCCACCTGGCAAACATG[C>T]GGAGGTCCTCAGGGTTCTGGGCTGCGGGTACACTGAGGATGGCTGCGCGTTCATGCTCCG-3'
Protein context (NP_001070818.1, residues 501-521): VPAAQNPEDL[Arg511His]MFARLLHYFR